The following is an entry in ClinVar:

ClinVar aggregate classification (germline): Uncertain significance (1 of 4 stars; one submission).

Conditions:
Hereditary diffuse gastric adenocarcinoma (HDGC). Also called: DIFFUSE GASTRIC AND LOBULAR BREAST CANCER SYNDROME. Identifiers: Orphanet 26106, MedGen C1708349, MONDO:0007648, OMIM 137215.

Submission:

Labcorp Genetics (formerly Invitae), Labcorp
Classification: Uncertain significance for Hereditary diffuse gastric adenocarcinoma. Last evaluated: 2023-11-14. Review status: criteria provided, single submitter. Criteria: Invitae Variant Classification Sherloc (09022015). Collection method: clinical testing. Allele origin: germline.
Comment: This sequence change replaces aspartic acid, which is acidic and polar, with histidine, which is basic and polar, at codon 854 of the CDH1 protein (p.Asp854His). This variant is not present in population databases (gnomAD no frequency). This variant has not been reported in the literature in individuals affected with CDH1-related conditions. An algorithm developed to predict the effect of missense changes on protein structure and function (PolyPhen-2) suggests that this variant is likely to be disruptive. In summary, the available evidence is currently insufficient to determine the role of this variant in disease. Therefore, it has been classified as a Variant of Uncertain Significance.

NM_004360.5(CDH1):c.2560G>C (p.Asp854His)

Gene: CDH1 (cadherin 1; plus strand). Cytogenetic location: 16q22.1.
Variant type: single nucleotide variant.
Coding change: c.2560G>C on transcript NM_004360.5 (MANE Select); coding-DNA position 2560, G replaced by C.
Protein change: p.Asp854His; replaces aspartic acid 854 with histidine.
Molecular consequence: missense variant.
Genome position (GRCh38, 1-based): chr16:68,833,410, G>C. VCF-style: chr16-68833410-G-C. GRCh37 (hg19) VCF-style: chr16-68867313-G-C.
Other names: c.2377G>C, p.Asp793His (NM_001317184.2); c.1012G>C, p.Asp338His (NM_001317185.2); c.595G>C, p.Asp199His (NM_001317186.2); short protein forms D199H, D793H, D854H, D338H.
Identifiers: ClinVar variation 2695730 (VCV002695730.3), dbSNP rs1555518257, ClinGen allele CA396472452.